The following is an entry in ClinVar:

NM_181703.4(GJA5):c.287C>A (p.Ala96Asp)

Gene: GJA5 (gap junction protein alpha 5; minus strand). Cytogenetic location: 1q21.2.
Variant type: single nucleotide variant.
Coding change: c.287C>A on transcript NM_181703.4 (MANE Select); coding-DNA position 287, C replaced by A.
Protein change: p.Ala96Asp; replaces alanine 96 with aspartic acid.
Molecular consequence: missense variant.
Genome position (GRCh38, 1-based): chr1:147,758,952, G>T on the plus strand (C>A on the coding strand, the complement: GJA5 is on the minus strand). VCF-style: chr1-147758952-G-T. GRCh37 (hg19) VCF-style: chr1-147231060-G-T.
Other names: c.287C>A, p.Ala96Asp (NM_005266.7); short protein forms A96D.
Identifiers: ClinVar variation 2133905 (VCV002133905.4), dbSNP rs2524611624, ClinGen allele CA342397223.

ClinVar aggregate classification (germline): Uncertain significance (1 of 4 stars; one submission).

Conditions:
Atrial standstill 1 (ATRST1). Also called: ATRIAL CARDIOMYOPATHY WITH HEART BLOCK; CARDIOMYOPATHY, FAMILIAL, WITH CONDUCTION DISTURBANCE; Atrial standstill, digenic (GJA5/SCN5A). Identifiers: Orphanet 1344, MedGen C4551959, MONDO:0007171, OMIM 108770.
Atrial fibrillation, familial, 11 (ATFB11). Identifiers: MedGen C3279693, MONDO:0013544, OMIM 614049.

Submission:

Labcorp Genetics (formerly Invitae), Labcorp
Classification: Uncertain significance for Atrial fibrillation, familial, 11; Atrial standstill 1. Last evaluated: 2022-05-04. Review status: criteria provided, single submitter. Criteria: Invitae Variant Classification Sherloc (09022015). Collection method: clinical testing. Allele origin: germline.
Comment: In summary, the available evidence is currently insufficient to determine the role of this variant in disease. Therefore, it has been classified as a Variant of Uncertain Significance. Algorithms developed to predict the effect of missense changes on protein structure and function are either unavailable or do not agree on the potential impact of this missense change (SIFT: "Not Available"; PolyPhen-2: "Probably Damaging"; Align-GVGD: "Not Available"). This variant has not been reported in the literature in individuals affected with GJA5-related conditions. This variant is not present in population databases (gnomAD no frequency). This sequence change replaces alanine, which is neutral and non-polar, with aspartic acid, which is acidic and polar, at codon 96 of the GJA5 protein (p.Ala96Asp).